The following is an entry in ClinVar:

NM_000038.6(APC):c.6779G>T (p.Ser2260Ile)

Gene: APC (APC regulator of Wnt signaling pathway; plus strand). Cytogenetic location: 5q22.2.
Variant type: single nucleotide variant.
Coding change: c.6779G>T on transcript NM_000038.6 (MANE Select); coding-DNA position 6779, G replaced by T.
Protein change: p.Ser2260Ile; replaces serine 2260 with isoleucine.
Molecular consequence: missense variant.
Genome position (GRCh38, 1-based): chr5:112,842,373, G>T. VCF-style: chr5-112842373-G-T. GRCh37 (hg19) VCF-style: chr5-112178070-G-T.
Other names: c.6779G>T, p.Ser2260Ile (NM_001127510.3, NM_001354895.2); c.6725G>T, p.Ser2242Ile (NM_001127511.3); c.6833G>T, p.Ser2278Ile (NM_001354896.2); c.6809G>T, p.Ser2270Ile (NM_001354897.2); c.6704G>T, p.Ser2235Ile (NM_001354898.2); c.6695G>T, p.Ser2232Ile (NM_001354899.2); c.6656G>T, p.Ser2219Ile (NM_001354900.2); c.6602G>T, p.Ser2201Ile (NM_001354901.2); and 5 more; short protein forms S2242I, S2260I, S2134I, S2219I, S1977I, S2232I, S2235I, S2270I.
Identifiers: ClinVar variation 537433 (VCV000537433.12), dbSNP rs587781393, ClinGen allele CA16036138.

ClinVar aggregate classification (germline): Uncertain significance. Review status: criteria provided, multiple submitters, no conflicts (2 of 4 stars). 3 submissions from 3 submitters: Uncertain significance (3). Last evaluated 2025-09-03.

Conditions:
Hereditary cancer-predisposing syndrome. Also called: Tumor predisposition; Hereditary Cancer Syndrome; Hereditary neoplastic syndrome; Neoplastic Syndromes, Hereditary. Identifiers: Orphanet 140162, MedGen C0027672, MeSH D009386, MONDO:0015356.
Familial adenomatous polyposis 1 (FAP1). Also called: FAMILIAL ADENOMATOUS POLYPOSIS 1, ATTENUATED; POLYPOSIS, ADENOMATOUS INTESTINAL. Identifiers: MedGen C2713442, MONDO:0021056, OMIM 175100. Disease mechanism: loss of function.

Submissions (3):

Ambry Genetics
Classification: Uncertain significance for Hereditary cancer-predisposing syndrome. Last evaluated: 2025-09-03. Review status: criteria provided, single submitter. Criteria: Ambry Variant Classification Scheme 2023. Collection method: clinical testing. Allele origin: germline.
Comment: The p.S2260I variant (also known as c.6779G>T), located in coding exon 15 of the APC gene, results from a G to T substitution at nucleotide position 6779. The serine at codon 2260 is replaced by isoleucine, an amino acid with dissimilar properties. This amino acid position is well conserved in available vertebrate species. In addition, in silico predictors for this gene do not accurately predict pathogenicity. Missense alterations in APC are not a common cause of disease (Spier I et al. Genet Med. 2024 Feb;26(2):100992). Based on the available evidence, the clinical significance of this variant remains unclear.

GeneDx
Classification: Uncertain significance. Last evaluated: 2025-07-16. Review status: criteria provided, single submitter. Criteria: GeneDx Variant Classification Process June 2021. Collection method: clinical testing. Allele origin: germline. Affected: yes.
Comment: Not observed at significant frequency in large population cohorts (gnomAD); In silico analysis suggests that this missense variant does not alter protein structure/function; Observed in a patient with colorectal cancer (PMID: 35430768); This variant is associated with the following publications: (PMID: 35430768, 18199528)

Labcorp Genetics (formerly Invitae), Labcorp
Classification: Uncertain significance for Familial adenomatous polyposis 1. Last evaluated: 2025-01-26. Review status: criteria provided, single submitter. Criteria: Invitae Variant Classification Sherloc (09022015). Collection method: clinical testing. Allele origin: germline.
Comment: This sequence change replaces serine, which is neutral and polar, with isoleucine, which is neutral and non-polar, at codon 2260 of the APC protein (p.Ser2260Ile). This variant is not present in population databases (gnomAD no frequency). This missense change has been observed in individual(s) with APC-related conditions. (PMID: 35430768). ClinVar contains an entry for this variant (Variation ID: 537433). Invitae Evidence Modeling of protein sequence and biophysical properties (such as structural, functional, and spatial information, amino acid conservation, physicochemical variation, residue mobility, and thermodynamic stability) indicates that this missense variant is not expected to disrupt APC protein function with a negative predictive value of 95%. In summary, the available evidence is currently insufficient to determine the role of this variant in disease. Therefore, it has been classified as a Variant of Uncertain Significance.

Literature cited by the submitters: PubMed 35430768 (cited by Labcorp Genetics (formerly Invitae), Labcorp).